The following is an entry in ClinVar:

ClinVar aggregate classification (germline): Uncertain significance (1 of 4 stars; one submission).

gnomAD v4.1: 3 of 1,607,856 alleles (0.00019%); highest among the groups gnomAD compares: African/African-American, 0.0013%; no homozygotes.

Submission:

Greenwood Genetic Center Diagnostic Laboratories, Greenwood Genetic Center
Classification: Uncertain significance. Last evaluated: 2025-10-23. Review status: criteria provided, single submitter. Criteria: ACMG Guidelines, 2015. Collection method: clinical testing. Allele origin: germline. Affected: yes.
Comment: PM2, BP4

NM_002816.5(PSMD12):c.19G>C (p.Glu7Gln)

Genes: PSMD12 (proteasome 26S subunit, non-ATPase 12; minus strand), LOC130061480 (ATAC-STARR-seq lymphoblastoid active region 12622; plus strand). Cytogenetic location: 17q24.2.
Variant type: single nucleotide variant.
Coding change: c.19G>C on transcript NM_002816.5 (MANE Select); coding-DNA position 19, G replaced by C.
Protein change: p.Glu7Gln; replaces glutamic acid 7 with glutamine.
Molecular consequence: missense variant. On other transcripts: 5 prime UTR variant (1).
Genome position (GRCh38, 1-based): chr17:67,366,501, C>G on the plus strand (G>C on the coding strand, the complement: PSMD12 is on the minus strand). VCF-style: chr17-67366501-C-G. GRCh37 (hg19) VCF-style: chr17-65362617-C-G.
Other names: c.-443G>C (NM_001316341.2); c.19G>C, p.Glu7Gln (NM_174871.4); short protein forms E7Q.
Identifiers: ClinVar variation 4845601 (VCV004845601.1).